The following is an entry in ClinVar:

ClinVar aggregate classification (germline): Uncertain significance (1 of 4 stars; one submission).

Conditions:
Familial cold autoinflammatory syndrome 2 (FCAS2). Identifiers: Orphanet 247868, MedGen C2673198, MONDO:0012724, OMIM 611762.

Submission:

Labcorp Genetics (formerly Invitae), Labcorp
Classification: Uncertain significance for Familial cold autoinflammatory syndrome 2. Last evaluated: 2025-11-13. Review status: criteria provided, single submitter. Criteria: Invitae Variant Classification Sherloc (09022015). Collection method: clinical testing. Allele origin: germline.
Comment: This sequence change replaces glutamine, which is neutral and polar, with histidine, which is basic and polar, at codon 608 of the NLRP12 protein (p.Gln608His). This variant is not present in population databases (gnomAD no frequency). This variant has not been reported in the literature in individuals affected with NLRP12-related conditions. Invitae Evidence Modeling of protein sequence and biophysical properties (such as structural, functional, and spatial information, amino acid conservation, physicochemical variation, residue mobility, and thermodynamic stability) indicates that this missense variant is not expected to disrupt NLRP12 protein function with a negative predictive value of 80%. In summary, the available evidence is currently insufficient to determine the role of this variant in disease. Therefore, it has been classified as a Variant of Uncertain Significance.

NM_144687.4(NLRP12):c.1824G>C (p.Gln608His)

Gene: NLRP12 (NLR family pyrin domain containing 12; minus strand). Cytogenetic location: 19q13.42.
Variant type: single nucleotide variant.
Coding change: c.1824G>C on transcript NM_144687.4 (MANE Select); coding-DNA position 1824, G replaced by C.
Protein change: p.Gln608His; replaces glutamine 608 with histidine.
Molecular consequence: missense variant.
Genome position (GRCh38, 1-based): chr19:53,809,835, C>G on the plus strand (G>C on the coding strand, the complement: NLRP12 is on the minus strand). VCF-style: chr19-53809835-C-G. GRCh37 (hg19) VCF-style: chr19-54313089-C-G.
Other names: c.1824G>C, p.Gln608His (NM_001277126.2, NM_001277129.1); short protein forms Q608H.
Identifiers: ClinVar variation 4742291 (VCV004742291.1).